The following is an entry in ClinVar:

ClinVar aggregate classification (germline): Pathogenic (1 of 4 stars; one submission).

Conditions:
Peutz-Jeghers syndrome (PJS). Also called: POLYPOSIS, HAMARTOMATOUS INTESTINAL; POLYPS-AND-SPOTS SYNDROME; Peutz-Jeghers polyposis; Periorificial lentiginosis syndrome. Identifiers: Orphanet 2869, MedGen C0031269, MeSH D010580, MONDO:0008280, OMIM 175200.

Submission:

Labcorp Genetics (formerly Invitae), Labcorp
Classification: Pathogenic for Peutz-Jeghers syndrome. Last evaluated: 2025-03-30. Review status: criteria provided, single submitter. Criteria: Invitae Variant Classification Sherloc (09022015). Collection method: clinical testing. Allele origin: germline.
Comment: This sequence change affects a donor splice site in intron 6 of the STK11 gene. It is expected to disrupt RNA splicing. Variants that disrupt the donor or acceptor splice site typically lead to a loss of protein function (PMID: 16199547), and loss-of-function variants in STK11 are known to be pathogenic (PMID: 15188174, 16287113). This variant is not present in population databases (gnomAD no frequency). Disruption of this splice site has been observed in individuals with Peutz-Jeghers syndrome (PMID: 26607058; internal data). Algorithms developed to predict the effect of sequence changes on RNA splicing suggest that this variant may disrupt the consensus splice site. For these reasons, this variant has been classified as Pathogenic.

Literature cited by the submitters: PubMed 16199547; PubMed 15188174; PubMed 16287113; PubMed 26607058.

NM_000455.5(STK11):c.862+1G>C

Gene: STK11 (serine/threonine kinase 11; plus strand). Cytogenetic location: 19p13.3.
Variant type: single nucleotide variant.
Coding change: c.862+1G>C on transcript NM_000455.5 (MANE Select); the canonical splice donor site of the intron after coding-DNA position 862, G replaced by C.
Molecular consequence: splice donor variant.
Genome position (GRCh38, 1-based): chr19:1,221,341, G>C. VCF-style: chr19-1221341-G-C. GRCh37 (hg19) VCF-style: chr19-1221340-G-C.
Other names: c.862+1G>C (NM_001407255.1).
Identifiers: ClinVar variation 4716282 (VCV004716282.1).